The following is an entry in ClinVar:

NM_001003694.2(BRPF1):c.3206-4G>C

Gene: BRPF1 (bromodomain and PHD finger containing 1; plus strand). Cytogenetic location: 3p25.3.
Variant type: single nucleotide variant.
Coding change: c.3206-4G>C on transcript NM_001003694.2 (MANE Select); 4 bases into the intron before coding-DNA position 3206, G replaced by C.
Molecular consequence: intron variant.
Genome position (GRCh38, 1-based): chr3:9,745,808, G>C. VCF-style: chr3-9745808-G-C. GRCh37 (hg19) VCF-style: chr3-9787492-G-C.
Other names: c.3203-4G>C (NM_001410704.1); c.3188-4G>C (NM_004634.3); c.2903-4G>C (NM_001319049.2); c.3185-4G>C (NM_001319050.2).
Identifiers: ClinVar variation 2446318 (VCV002446318.1), dbSNP rs201889001, ClinGen allele CA69963854.
Genomic context (GRCh38, chr3:9,745,808, plus strand): 5'-CAGTGTCAGGGTCTCGCCAGCCCCCCAGCTGCTGATCCACCCCCTCTCCCCCATTCCTGT[G>C]AAGTGGTAAGGAAGAGTCTGGGCCGGGGAGCTGGCTGGCTGTCAGAGGATGAGGACTCCC-3'

ClinVar aggregate classification (germline): Uncertain significance (1 of 4 stars; one submission).

Submission:

GeneDx
Classification: Uncertain significance. Last evaluated: 2022-09-26. Review status: criteria provided, single submitter. Criteria: GeneDx Variant Classification Process June 2021. Collection method: clinical testing. Allele origin: germline. Affected: yes.
Comment: Not observed at significant frequency in large population cohorts (gnomAD); In silico analysis supports that this variant does not alter splicing; Has not been previously published as pathogenic or benign to our knowledge